The following is an entry in ClinVar:

ClinVar aggregate classification (germline): Pathogenic. Review status: criteria provided, multiple submitters, no conflicts (2 of 4 stars). 2 submissions from 2 submitters: Pathogenic (2). Last evaluated 2024-02-01.

Conditions:
Bardet-Biedl syndrome (BBS). Identifiers: Orphanet 110, MedGen C0752166, MONDO:0015229.
Bardet-Biedl syndrome 1 (BBS1). Identifiers: MedGen C2936862, MONDO:0008854, OMIM 209900. Disease mechanism: loss of function.

Allele frequency attached by ClinVar (database versions not stated): TOPMed below 0.00001.

Submissions (2):

Fulgent Genetics
Classification: Pathogenic for Bardet-Biedl syndrome 1. Last evaluated: 2024-02-01. Review status: criteria provided, single submitter. Criteria: ACMG Guidelines, 2015. Collection method: clinical testing. Allele origin: germline.

Labcorp Genetics (formerly Invitae), Labcorp
Classification: Pathogenic for Bardet-Biedl syndrome. Last evaluated: 2022-05-05. Review status: criteria provided, single submitter. Criteria: Invitae Variant Classification Sherloc (09022015). Collection method: clinical testing. Allele origin: germline.
Comment: This sequence change affects the initiator methionine of the BBS1 mRNA. The next in-frame methionine is located at codon 31. This variant is not present in population databases (gnomAD no frequency). Disruption of the initiator codon has been observed in individual(s) with Bardet-Biedl syndrome (PMID: 17980398). This variant disrupts a region of the BBS1 protein in which other variant(s) (p.Ser16Cys) have been observed in individuals with BBS1-related conditions (PMID: 31196119). This suggests that this is a clinically significant region of the protein, and that variants that disrupt it are likely to be disease-causing. For these reasons, this variant has been classified as Pathogenic.

Literature cited by the submitters: PubMed 17980398 (cited by Labcorp Genetics (formerly Invitae), Labcorp); PubMed 31196119 (cited by Labcorp Genetics (formerly Invitae), Labcorp).

NM_024649.5(BBS1):c.3G>A (p.Met1Ile)

Gene: BBS1 (Bardet-Biedl syndrome 1; plus strand). Cytogenetic location: 11q13.2.
Variant type: single nucleotide variant.
Coding change: c.3G>A on transcript NM_024649.5 (MANE Select); coding-DNA position 3, G replaced by A.
Protein change: p.Met1Ile; changes the start codon (methionine 1).
Molecular consequence: missense variant, initiator codon variant.
Genome position (GRCh38, 1-based): chr11:66,510,662, G>A. VCF-style: chr11-66510662-G-A. GRCh37 (hg19) VCF-style: chr11-66278133-G-A.
Other names: short protein forms M1I.
Identifiers: ClinVar variation 2057607 (VCV002057607.6), dbSNP rs1855918305, ClinGen allele CA381453166.